The following is an entry in ClinVar:

NM_020166.5(MCCC1):c.635del (p.Gly212fs)

Gene: MCCC1 (methylcrotonyl-CoA carboxylase subunit 1; minus strand). Cytogenetic location: 3q27.1.
Variant type: Deletion.
Coding change: c.635del on transcript NM_020166.5 (MANE Select); coding-DNA position 635, one base deleted (G; older notation c.635delG).
Protein change: p.Gly212fs; shifts the reading frame from glycine 212.
Molecular consequence: frameshift variant. On other transcripts: non-coding transcript variant (2).
Genome position (GRCh38, 1-based): chr3:183,071,214, C deleted on the plus strand (G on the coding strand, the reverse complement: MCCC1 is on the minus strand); the first of 2 consecutive C bases (chr3:183,071,214-183,071,215); deleting either gives the same sequence. VCF-style (leftmost placement, unchanged base first): chr3-183071213-TC-T. GRCh37 (hg19) VCF-style: chr3-182789001-TC-T.
Other names: c.284del, p.Gly95fs (NM_001293273.2); c.308del, p.Gly103fs (NM_001363880.1); short protein forms G103fs, G212fs, G95fs.
Identifiers: ClinVar variation 1453669 (VCV001453669.7), dbSNP rs2108526355, ClinGen allele CA2573136747.

ClinVar aggregate classification (germline): Pathogenic/Likely pathogenic. Review status: criteria provided, multiple submitters, no conflicts (2 of 4 stars). 2 submissions from 2 submitters: Pathogenic (1); Likely pathogenic (1). Last evaluated 2024-02-27.

Conditions:
3-methylcrotonyl-CoA carboxylase 1 deficiency (MCC1D). Also called: MCCD TYPE 1; METHYLCROTONYLGLYCINURIA TYPE I; MCC 1 deficiency; 3 Alpha methylcrotonylglycinuria 1. Identifiers: Orphanet 6, MedGen CN028786, MONDO:0008861, OMIM 210200.

Submissions (2):

Baylor Genetics
Classification: Likely pathogenic for 3-methylcrotonyl-CoA carboxylase 1 deficiency. Last evaluated: 2024-02-27. Review status: criteria provided, single submitter. Criteria: ACMG Guidelines, 2015. Collection method: clinical testing. Allele origin: unknown.

Labcorp Genetics (formerly Invitae), Labcorp
Classification: Pathogenic for 3-methylcrotonyl-CoA carboxylase 1 deficiency. Last evaluated: 2021-05-26. Review status: criteria provided, single submitter. Criteria: Invitae Variant Classification Sherloc (09022015). Collection method: clinical testing. Allele origin: germline.
Comment: For these reasons, this variant has been classified as Pathogenic. This variant has not been reported in the literature in individuals with MCCC1-related conditions. This variant is not present in population databases (ExAC no frequency). This sequence change creates a premature translational stop signal (p.Gly212Glufs*4) in the MCCC1 gene. It is expected to result in an absent or disrupted protein product. Loss-of-function variants in MCCC1 are known to be pathogenic (PMID: 11181649, 15359379, 22642865).

Literature cited by the submitters: PubMed 11181649 (cited by Labcorp Genetics (formerly Invitae), Labcorp); PubMed 15359379 (cited by Labcorp Genetics (formerly Invitae), Labcorp); PubMed 22642865 (cited by Labcorp Genetics (formerly Invitae), Labcorp).